The following is an entry in ClinVar:

ClinVar aggregate classification (germline): Conflicting classifications of pathogenicity. Review status: criteria provided, conflicting classifications (1 of 4 stars). 4 submissions from 4 submitters: Uncertain significance (3); Likely benign (1). Last evaluated 2025-11-18.

Conditions:
Inborn genetic diseases. Identifiers: MedGen C0950123, MeSH D030342.
PIEZO2-related disorder. Also called: PIEZO2-related disorders; PIEZO2-related condition.
Arthrogryposis- oculomotor limitation-electroretinal anomalies syndrome. Also called: ARTHROGRYPOSIS, DISTAL, TYPE 5; ARTHROGRYPOSIS WITH OCULOMOTOR LIMITATION AND ELECTRORETINAL ABNORMALITIES; ARTHROGRYPOSIS, DISTAL, TYPE IIB. Identifiers: Orphanet 1154, MedGen C1862472, MONDO:0007158, OMIM 108145.
Marden-Walker syndrome (MWKS). Also called: Connective tissue disorder Marden Walker type. Identifiers: Orphanet 2461, MedGen C0796033, MONDO:0009564, OMIM 248700.
Gordon syndrome (DA3). Also called: ARTHROGRYPOSIS MULTIPLEX CONGENITA, DISTAL, TYPE IIA; CAMPTODACTYLY, CLEFT PALATE, AND CLUBFOOT; Gordon's syndrome. Identifiers: Orphanet 376, MedGen C0220666, MONDO:0007252, OMIM 114300.
Arthrogryposis, distal, with impaired proprioception and touch (DAIPT). Identifiers: MedGen C4310692, MONDO:0014941, OMIM 617146.

Allele frequency attached by ClinVar (database versions not stated): gnomAD exomes 0.00007; gnomAD 0.00009; TOPMed 0.00009; ExAC 0.00024; 1000 Genomes Project 0.00060; 1000 Genomes Project 30x 0.00078.
gnomAD v4.1: 118 of 1,534,336 alleles (0.0077%); highest among the groups gnomAD compares: East Asian, 0.049%; no homozygotes.

Submissions (4):

PreventionGenetics, part of Exact Sciences
Classification: Uncertain significance for PIEZO2-related condition. Last evaluated: 2025-11-18. Review status: criteria provided, single submitter. Criteria: ACMG Guidelines, 2015. Collection method: clinical testing. Allele origin: germline.
Comment: The PIEZO2 c.172C>T variant is predicted to result in the amino acid substitution p.Arg58Trp. To our knowledge, this variant has not been reported in the literature. This variant is reported in 0.091% of alleles in individuals of East Asian descent in gnomAD. Although we suspect that this variant may be benign, at this time, the clinical significance of this variant is uncertain due to the absence of conclusive functional and genetic evidence.

Ambry Genetics
Classification: Uncertain significance for Inborn genetic diseases. Last evaluated: 2024-03-16. Review status: criteria provided, single submitter. Criteria: Ambry Variant Classification Scheme 2023. Collection method: clinical testing. Allele origin: germline.

Labcorp Genetics (formerly Invitae), Labcorp
Classification: Likely benign. Last evaluated: 2023-11-27. Review status: criteria provided, single submitter. Criteria: Invitae Variant Classification Sherloc (09022015). Collection method: clinical testing. Allele origin: germline.

Department of Pathology and Laboratory Medicine, Sinai Health System
Classification: Uncertain significance for Arthrogryposis- oculomotor limitation-electroretinal anomalies syndrome; Gordon syndrome; Marden-Walker syndrome; Arthrogryposis, distal, with impaired proprioception and touch. Last evaluated: 2022-02-28. Review status: criteria provided, single submitter. Criteria: ACMG Guidelines, 2015. Collection method: research. Allele origin: germline.

NM_001378183.1(PIEZO2):c.172C>T (p.Arg58Trp)

Gene: PIEZO2 (piezo type mechanosensitive ion channel component 2; minus strand). Cytogenetic location: 18p11.21.
Variant type: single nucleotide variant.
Coding change: c.172C>T on transcript NM_001378183.1 (MANE Select); coding-DNA position 172, C replaced by T.
Protein change: p.Arg58Trp; replaces arginine 58 with tryptophan.
Molecular consequence: missense variant.
Genome position (GRCh38, 1-based): chr18:10,979,649, G>A on the plus strand (C>T on the coding strand, the complement: PIEZO2 is on the minus strand). VCF-style: chr18-10979649-G-A. GRCh37 (hg19) VCF-style: chr18-10979647-G-A.
Other names: c.172C>T (NM_022068.2, NM_022068.3); c.172C>T, p.Arg58Trp (NM_001410871.1, NM_022068.4); short protein forms R58W.
Identifiers: ClinVar variation 2175455 (VCV002175455.7), dbSNP rs142351929, ClinGen allele CA8892873.